The following is an entry in ClinVar:

NM_004006.3(DMD):c.2642C>T (p.Ser881Leu)

Gene: DMD (dystrophin; minus strand). Cytogenetic location: Xp21.1.
Variant type: single nucleotide variant.
Coding change: c.2642C>T on transcript NM_004006.3 (MANE Select); coding-DNA position 2642, C replaced by T.
Protein change: p.Ser881Leu; replaces serine 881 with leucine.
Molecular consequence: missense variant.
Genome position (GRCh38, 1-based): chrX:32,485,080, G>A on the plus strand (C>T on the coding strand, the complement: DMD is on the minus strand). VCF-style: chrX-32485080-G-A. GRCh37 (hg19) VCF-style: chrX-32503197-G-A.
Other names: c.2618C>T, p.Ser873Leu (NM_000109.4); c.2630C>T, p.Ser877Leu (NM_004009.3); c.2273C>T, p.Ser758Leu (NM_004010.3); short protein forms S758L, S873L, S881L, S877L.
Identifiers: ClinVar variation 1794208 (VCV001794208.3), dbSNP rs747937552, ClinGen allele CA10379462.

ClinVar aggregate classification (germline): Uncertain significance. Review status: criteria provided, multiple submitters, no conflicts (2 of 4 stars). 2 submissions from 2 submitters: Uncertain significance (2). Last evaluated 2025-11-25.

Conditions:
Duchenne muscular dystrophy (DMD). Also called: MUSCULAR DYSTROPHY, PSEUDOHYPERTROPHIC PROGRESSIVE, DUCHENNE TYPE; Duchenne Muscular Dystrophy (DMD). Identifiers: Orphanet 98896, MedGen C0013264, MONDO:0010679, OMIM 310200.
Cardiovascular phenotype. Identifiers: MedGen CN230736.

Allele frequency attached by ClinVar (database versions not stated): gnomAD exomes below 0.00001; ExAC 0.00001.
gnomAD v4.1: 3 of 1,210,328 alleles (0.00025%); highest among the groups gnomAD compares: Admixed American, 0.0065%; no homozygotes.

Submissions (2):

Labcorp Genetics (formerly Invitae), Labcorp
Classification: Uncertain significance for Duchenne muscular dystrophy. Last evaluated: 2025-11-25. Review status: criteria provided, single submitter. Criteria: Invitae Variant Classification Sherloc (09022015). Collection method: clinical testing. Allele origin: germline.
Comment: This sequence change replaces serine, which is neutral and polar, with leucine, which is neutral and non-polar, at codon 881 of the DMD protein (p.Ser881Leu). This variant is present in population databases (rs747937552, gnomAD 0.008%). This variant has not been reported in the literature in individuals affected with DMD-related conditions. ClinVar contains an entry for this variant (Variation ID: 1794208). Invitae Evidence Modeling of protein sequence and biophysical properties (such as structural, functional, and spatial information, amino acid conservation, physicochemical variation, residue mobility, and thermodynamic stability) indicates that this missense variant is not expected to disrupt DMD protein function with a negative predictive value of 95%. In summary, the available evidence is currently insufficient to determine the role of this variant in disease. Therefore, it has been classified as a Variant of Uncertain Significance.

Ambry Genetics
Classification: Uncertain significance for Cardiovascular phenotype. Last evaluated: 2019-10-02. Review status: criteria provided, single submitter. Criteria: Ambry Variant Classification Scheme 2023. Collection method: clinical testing. Allele origin: germline.
Comment: The p.S881L variant (also known as c.2642C>T), located in coding exon 21 of the DMD gene, results from a C to T substitution at nucleotide position 2642. The serine at codon 881 is replaced by leucine, an amino acid with dissimilar properties. This amino acid position is highly conserved in available vertebrate species. In addition, this alteration is predicted to be tolerated by in silico analysis. Since supporting evidence is limited at this time, the clinical significance of this alteration remains unclear.